The following is an entry in ClinVar:

ClinVar aggregate classification (germline): Uncertain significance (1 of 4 stars; one submission).

Allele frequency attached by ClinVar (database versions not stated): gnomAD exomes below 0.00001; TOPMed below 0.00001; gnomAD 0.00001.
gnomAD v4.1: 5 of 1,612,726 alleles (0.00031%); highest among the groups gnomAD compares: Non-Finnish European, 0.00042%; no homozygotes.

Submission:

Ambry Genetics
Classification: Uncertain significance. Last evaluated: 2021-08-24. Review status: criteria provided, single submitter. Criteria: Ambry Variant Classification Scheme 2023. Collection method: clinical testing. Allele origin: germline.
Comment: The p.R124G variant (also known as c.370A>G), located in coding exon 4 of the BUB1 gene, results from an A to G substitution at nucleotide position 370. The arginine at codon 124 is replaced by glycine, an amino acid with dissimilar properties. This amino acid position is conserved. In addition, this alteration is predicted to be tolerated by in silico analysis. Since supporting evidence is limited at this time, the clinical significance of this alteration remains unclear.

NM_004336.5(BUB1):c.370A>G (p.Arg124Gly)

Gene: BUB1 (BUB1 mitotic checkpoint serine/threonine kinase; minus strand). Cytogenetic location: 2q13.
Variant type: single nucleotide variant.
Coding change: c.370A>G on transcript NM_004336.5 (MANE Select); coding-DNA position 370, A replaced by G.
Protein change: p.Arg124Gly; replaces arginine 124 with glycine.
Molecular consequence: missense variant.
Genome position (GRCh38, 1-based): chr2:110,672,713, T>C on the plus strand (A>G on the coding strand, the complement: BUB1 is on the minus strand). VCF-style: chr2-110672713-T-C. GRCh37 (hg19) VCF-style: chr2-111430290-T-C.
Other names: c.310A>G, p.Arg104Gly (NM_001278616.2); c.370A>G, p.Arg124Gly (NM_001278617.2); short protein forms R124G, R104G.
Identifiers: ClinVar variation 1734176 (VCV001734176.2), dbSNP rs890320634, ClinGen allele CA53544367.